The following is an entry in ClinVar:

ClinVar aggregate classification (germline): Uncertain significance. Review status: criteria provided, multiple submitters, no conflicts (2 of 4 stars). 2 submissions from 2 submitters: Uncertain significance (2). Last evaluated 2026-08-24.

Conditions:
Retinoblastoma (RB1). Also called: RETINOBLASTOMA, SOMATIC. Identifiers: Orphanet 790, MedGen C0035335, MeSH D012175, MONDO:0008380, OMIM 180200, HP:0009919. Disease mechanism: loss of function. Inheritance: Both sporadic and heritable forms are tested..
Hereditary cancer-predisposing syndrome. Also called: Tumor predisposition; Hereditary Cancer Syndrome; Neoplastic Syndromes, Hereditary; Hereditary neoplastic syndrome. Identifiers: Orphanet 140162, MedGen C0027672, MeSH D009386, MONDO:0015356.

Submissions (2):

Ambry Genetics
Classification: Uncertain significance for Hereditary cancer-predisposing syndrome. Last evaluated: 2026-08-24. Review status: criteria provided, single submitter. Criteria: Ambry Variant Classification Scheme 2023. Collection method: clinical testing. Allele origin: germline.
Comment: The c.175_177delGCAinsCCT variant (also known as p.A59P), located in coding exon 2 of the RB1 gene, results from an in-frame deletion of GCA and insertion of CCT at nucleotide positions 175 to 177. This results in the substitution of the alanine residue for a proline residue at codon 59, an amino acid with highly similar properties. This amino acid position is well conserved in available vertebrate species. Based on the available evidence, the clinical significance of this variant remains unclear.

Color Diagnostics, LLC DBA Color Health
Classification: Uncertain significance for Retinoblastoma. Last evaluated: 2025-06-29. Review status: criteria provided, single submitter. Criteria: ACMG Guidelines, 2015. Collection method: clinical testing. Allele origin: germline.
Comment: This missense variant replaces alanine with proline at codon 59 of the RB1 protein. To our knowledge, functional studies have not been reported for this variant. This variant has not been reported in individuals affected with RB1-related disorders in the literature. This variant has not been identified in the general population by the Genome Aggregation Database (gnomAD). The available evidence is insufficient to determine the role of this variant in disease conclusively. Therefore, this variant is classified as a Variant of Uncertain Significance.

NM_000321.3(RB1):c.175_177delinsCCT (p.Ala59Pro)

Gene: RB1 (RB transcriptional corepressor 1; plus strand). Cytogenetic location: 13q14.2.
Variant type: Indel.
Coding change: c.175_177delinsCCT on transcript NM_000321.3 (MANE Select); coding-DNA positions 175 to 177, GCA replaced by CCT.
Protein change: p.Ala59Pro; replaces alanine 59 with proline.
Molecular consequence: missense variant.
Genome position (GRCh38, 1-based): chr13:48,307,317-48,307,319, GCA replaced by CCT. VCF-style: chr13-48307317-GCA-CCT. GRCh37 (hg19) VCF-style: chr13-48881453-GCA-CCT.
Other names: short protein forms A59P.
Identifiers: ClinVar variation 819972 (VCV000819972.7), dbSNP rs1593414375, ClinGen allele CA915948548.
Genomic context (GRCh38, chr13:48,307,317, plus strand): 5'-ATATGATTATTTTCATTTGGTAGGCTTGAGTTTGAAGAAACAGAAGAACCTGATTTTACT[GCA>CCT]TTATGTCAGAAATTAAAGATACCAGATCATGTCAGAGAGAGAGCTTGGTTAACTTGGGAG-3'
Protein context (NP_000312.2, residues 49-69): FEETEEPDFT[Ala59Pro]LCQKLKIPDH